The following is an entry in ClinVar:

NM_015175.3(NBEAL2):c.2044A>T (p.Ile682Phe)

Gene: NBEAL2 (neurobeachin like 2; plus strand). Cytogenetic location: 3p21.31.
Variant type: single nucleotide variant.
Coding change: c.2044A>T on transcript NM_015175.3 (MANE Select); coding-DNA position 2044, A replaced by T.
Protein change: p.Ile682Phe; replaces isoleucine 682 with phenylalanine.
Molecular consequence: missense variant.
Genome position (GRCh38, 1-based): chr3:46,995,944, A>T. VCF-style: chr3-46995944-A-T. GRCh37 (hg19) VCF-style: chr3-47037434-A-T.
Other names: c.1942A>T, p.Ile648Phe (NM_001365116.2); short protein forms I648F, I682F.
Identifiers: ClinVar variation 1683348 (VCV001683348.2), dbSNP rs773164015, ClinGen allele CA2360530.

ClinVar aggregate classification (germline): Uncertain significance. Review status: criteria provided, multiple submitters, no conflicts (2 of 4 stars). 2 submissions from 2 submitters: Uncertain significance (2). Last evaluated 2022-04-07.

Conditions:
Gray platelet syndrome (GPS). Also called: BLEEDING DISORDER, PLATELET-TYPE, 4. Identifiers: Orphanet 721, MedGen C0272302, MONDO:0007686, OMIM 139090.

Allele frequency attached by ClinVar (database versions not stated): gnomAD exomes below 0.00001; ExAC 0.00001; TOPMed 0.00001.
gnomAD v4.1: 4 of 1,613,444 alleles (0.00025%); highest among the groups gnomAD compares: Non-Finnish European, 0.00025%; no homozygotes.

Submissions (2):

Women's Health and Genetics/Laboratory Corporation of America, LabCorp
Classification: Uncertain significance. Last evaluated: 2022-04-07. Review status: criteria provided, single submitter. Criteria: LabCorp Variant Classification Summary - May 2015. Collection method: clinical testing. Allele origin: germline.
Comment: Variant summary: NBEAL2 c.2044A>T (p.Ile682Phe) results in a non-conservative amino acid change in the encoded protein sequence. Four of five in-silico tools predict a damaging effect of the variant on protein function. The variant allele was found at a frequency of 4e-06 in 247566 control chromosomes. The available data on variant occurrences in the general population are insufficient to allow any conclusion about variant significance. c.2044A>T has been reported in the literature as a homozygous genotype in two individuals from one consanguineous Gypsy family reportedly affected with Gray Platelet Syndrome although the hematological parameters were not consistent between the two affected individuals (example, Albers_2011). This report continues to be cited by others in the field. These report(s) do not provide unequivocal conclusions about association of the variant with Gray Platelet Syndrome. To our knowledge, no experimental evidence demonstrating an impact on protein function has been reported. No clinical diagnostic laboratories have submitted clinical-significance assessments for this variant to ClinVar after 2014. Based on the evidence outlined above, the variant was classified as uncertain significance.

ISTH-SSC Genomics in Thrombosis and Hemostasis, KU Leuven, Center for Molecular and Vascular Biology
Classification: Uncertain significance for Gray platelet syndrome. Review status: criteria provided, single submitter. Criteria: ACMG Guidelines, 2015. Collection method: clinical testing. Allele origin: germline. Affected: yes. Observed: 1 homozygote.
Comment: Submitted to the GoldVariant database by Kathleen Freson, Center for Molecular and Vascular Biology

Literature cited by the submitters: PubMed 21765411 (cited by Women's Health and Genetics/Laboratory Corporation of America, LabCorp).